The following is an entry in ClinVar:

ClinVar aggregate classification (germline): Pathogenic. Review status: criteria provided, multiple submitters, no conflicts (2 of 4 stars). 5 submissions from 5 submitters: Pathogenic (4). 1 of the submissions does not count toward it. Last evaluated 2024-02-12.

Conditions:
Autosomal recessive nonsyndromic hearing loss 4 (DFNB4). Also called: FOXI1-Related Pendred Syndrome; KCNJ10-Related Pendred Syndrome; Enlarged vestibular aqueduct, digenic; NEUROSENSORY NONSYNDROMIC RECESSIVE DEAFNESS 4; Deafness, autosomal recessive 4, with enlarged vestibular aqueduct; Deafness, autosomal recessive 4. Identifiers: Orphanet 90636, MedGen C3538946, MONDO:0010933, OMIM 600791.
Pendred syndrome (PDS). Also called: THYROID DYSHORMONOGENESIS 2B; THYROID HORMONOGENESIS, GENETIC DEFECT IN, 2B; Pendred Syndrome (PDS); DEAFNESS WITH GOITER; GOITER-DEAFNESS SYNDROME; HYPOTHYROIDISM, CONGENITAL, DUE TO DYSHORMONOGENESIS, 2B. Identifiers: Orphanet 705, MedGen C0271829, MONDO:0010134, OMIM 274600.

Allele frequency attached by ClinVar (database versions not stated): gnomAD exomes below 0.00001.

Submissions (5):

Baylor Genetics
Classification: Pathogenic for Autosomal recessive nonsyndromic hearing loss 4. Last evaluated: 2024-02-12. Review status: criteria provided, single submitter. Criteria: ACMG Guidelines, 2015. Collection method: clinical testing. Allele origin: unknown.

Myriad Genetics, Inc.
Classification: Pathogenic for Pendred syndrome. Last evaluated: 2023-11-05. Review status: criteria provided, single submitter. Criteria: Myriad Autosomal Dominant, Autosomal Recessive and X-Linked Classification Criteria (2023). Collection method: clinical testing. Allele origin: unknown.
Comment: NM_000441.1(SLC26A4):c.387delC(F130Lfs*15) is expected to be pathogenic in the context of Pendred syndrome. This variant is predicted to lead to an abnormal or absent protein product due to the creation of a premature termination codon in SLC26A4, a gene where loss-of-function variants are known to be pathogenic. Please note: this variant was assessed in the context of healthy population screening.

Labcorp Genetics (formerly Invitae), Labcorp
Classification: Pathogenic. Last evaluated: 2023-01-08. Review status: criteria provided, single submitter. Criteria: Invitae Variant Classification Sherloc (09022015). Collection method: clinical testing. Allele origin: germline.
Comment: This premature translational stop signal has been observed in individual(s) with clinical features of SLC26A4-related conditions (PMID: 17718863, 31581539). This sequence change creates a premature translational stop signal (p.Phe130Leufs*15) in the SLC26A4 gene. It is expected to result in an absent or disrupted protein product. Loss-of-function variants in SLC26A4 are known to be pathogenic (PMID: 16283880, 25394566, 26252218, 26445815). This variant is not present in population databases (gnomAD no frequency). ClinVar contains an entry for this variant (Variation ID: 1065207). For these reasons, this variant has been classified as Pathogenic.

Juno Genomics, Hangzhou Juno Genomics, Inc
Classification: Pathogenic for Autosomal recessive nonsyndromic hearing loss 4; Pendred syndrome. Review status: criteria provided, single submitter. Criteria: ACMG Guidelines, 2015. Collection method: clinical testing. Allele origin: germline.
Comment: Absent from controls (or at extremely low frequency if recessive) in Genome Aggregation Database.;Null variant in a gene where loss of function (LOF) is a known mechanism of disease.;For recessive disorders, detected in trans with a pathogenic variant.;Patient's phenotype or family history is highly specific for a disease with a single genetic etiology.

Precision Medicine Center, Zhengzhou University
Classification: Pathogenic for Autosomal recessive nonsyndromic hearing loss 4. Review status: no assertion criteria provided. Collection method: research. Allele origin: germline. Affected: yes. Not counted in ClinVar's aggregate classification.
Comment: PVS1: Null variant in the gene with established LOF as a disease mechanism PM2: not found in gnomAD PM3_Strong: Pathogenic mutation confirmed in trans in one patient and phase unknown in two patients PP4: Patient's phenotype highly specific for gene

Literature cited by the submitters: PubMed 17718863 (cited by Labcorp Genetics (formerly Invitae), Labcorp); PubMed 31581539 (cited by Labcorp Genetics (formerly Invitae), Labcorp); PubMed 16283880 (cited by Labcorp Genetics (formerly Invitae), Labcorp); PubMed 25394566 (cited by Labcorp Genetics (formerly Invitae), Labcorp); PubMed 26252218 (cited by Labcorp Genetics (formerly Invitae), Labcorp); PubMed 26445815 (cited by Labcorp Genetics (formerly Invitae), Labcorp).

NM_000441.2(SLC26A4):c.387del (p.Phe130fs)

Gene: SLC26A4 (solute carrier family 26 member 4; plus strand). Cytogenetic location: 7q22.3.
Variant type: Deletion.
Coding change: c.387del on transcript NM_000441.2 (MANE Select); coding-DNA position 387, one base deleted (C; older notation c.387delC).
Protein change: p.Phe130fs; shifts the reading frame from phenylalanine 130.
Molecular consequence: frameshift variant.
Genome position (GRCh38, 1-based): chr7:107,672,220, C deleted. VCF-style (leftmost placement, unchanged base first): chr7-107672219-TC-T. GRCh37 (hg19) VCF-style: chr7-107312664-TC-T.
Other names: short protein forms F130fs.
Identifiers: ClinVar variation 1065207 (VCV001065207.14), dbSNP rs2129311265, ClinGen allele CA2499218642.